The following is an entry in ClinVar:

NM_004408.4(DNM1):c.1197-1G>T

Gene: DNM1 (dynamin 1; plus strand). Cytogenetic location: 9q34.11.
Variant type: single nucleotide variant.
Coding change: c.1197-1G>T on transcript NM_004408.4 (MANE Select); the canonical splice acceptor site of the intron before coding-DNA position 1197, G replaced by T.
Molecular consequence: splice acceptor variant. On other transcripts: intron variant (3).
Genome position (GRCh38, 1-based): chr9:128,224,250, G>T. VCF-style: chr9-128224250-G-T. GRCh37 (hg19) VCF-style: chr9-130986529-G-T.
Other names: c.1197-1G>T (NM_001005336.3, NM_001374269.1); c.1196+1390G>T (NM_001288738.2, NM_001288737.2, NM_001288739.2).
Identifiers: ClinVar variation 2659524 (VCV002659524.24), dbSNP rs2539004827, ClinGen allele CA375017670.

ClinVar aggregate classification (germline): Uncertain significance (1 of 4 stars; one submission).

Submission:

CeGaT Center for Human Genetics Tuebingen
Classification: Uncertain significance. Last evaluated: 2022-10-01. Review status: criteria provided, single submitter. Criteria: CeGaT Center For Human Genetics Tuebingen Variant Classification Criteria Version 2. Collection method: clinical testing. Allele origin: germline. Affected: yes. Observed: 2 variant alleles.
Comment: DNM1: PM2, PP3